The following is an entry in ClinVar:

NM_152309.3(PIK3AP1):c.2198G>A (p.Arg733Gln)

Gene: PIK3AP1 (phosphoinositide-3-kinase adaptor protein 1; minus strand). Cytogenetic location: 10q24.1.
Variant type: single nucleotide variant.
Coding change: c.2198G>A on transcript NM_152309.3 (MANE Select); coding-DNA position 2198, G replaced by A.
Protein change: p.Arg733Gln; replaces arginine 733 with glutamine.
Molecular consequence: missense variant.
Genome position (GRCh38, 1-based): chr10:96,604,022, C>T on the plus strand (G>A on the coding strand, the complement: PIK3AP1 is on the minus strand). VCF-style: chr10-96604022-C-T. GRCh37 (hg19) VCF-style: chr10-98363779-C-T.
Other names: short protein forms R733Q.
Identifiers: ClinVar variation 957980 (VCV000957980.9), dbSNP rs777771892, ClinGen allele CA5626028.
Genomic context (GRCh38, chr10:96,604,022, plus strand): 5'-GGAGTCCCAGCTCTCACCTCGTTGTCCCCTTCCATCCCGCTGCTCACACTGAGGAGGCTC[C>T]GGGTGCTGGAGCGGTTACTTGTGCTACCTAAAGGGTAGAAAGAAAATCAGCCGGATTGAG-3'
Protein context (NP_689522.2, residues 723-743): ASSTSNRSST[Arg733Gln]SLLSVSSGME

ClinVar aggregate classification (germline): Uncertain significance. Review status: criteria provided, multiple submitters, no conflicts (2 of 4 stars). 3 submissions from 3 submitters: Uncertain significance (3). Last evaluated 2025-04-13.

Conditions:
Infantile spasms. Also called: Infantile spasm. Identifiers: MedGen C3887898, HP:0012469.

Allele frequency attached by ClinVar (database versions not stated): gnomAD exomes 0.00003; ExAC 0.00001; gnomAD 0.00001; TOPMed 0.00002.
gnomAD v4.1: 30 of 1,607,536 alleles (0.0019%); highest among the groups gnomAD compares: Middle Eastern, 0.033%; no homozygotes.

Submissions (3):

Ambry Genetics
Classification: Uncertain significance. Last evaluated: 2025-04-13. Review status: criteria provided, single submitter. Criteria: Ambry Variant Classification Scheme 2023. Collection method: clinical testing. Allele origin: germline.

Labcorp Genetics (formerly Invitae), Labcorp
Classification: Uncertain significance for Infantile spasms. Last evaluated: 2022-06-20. Review status: criteria provided, single submitter. Criteria: Invitae Variant Classification Sherloc (09022015). Collection method: clinical testing. Allele origin: germline.
Comment: In summary, the available evidence is currently insufficient to determine the role of this variant in disease. Therefore, it has been classified as a Variant of Uncertain Significance. Algorithms developed to predict the effect of missense changes on protein structure and function are either unavailable or do not agree on the potential impact of this missense change (SIFT: "Tolerated"; PolyPhen-2: "Probably Damaging"; Align-GVGD: "Class C0"). ClinVar contains an entry for this variant (Variation ID: 957980). This variant has not been reported in the literature in individuals affected with PIK3AP1-related conditions. The frequency data for this variant in the population databases is considered unreliable, as metrics indicate poor data quality at this position in the gnomAD database. This sequence change replaces arginine, which is basic and polar, with glutamine, which is neutral and polar, at codon 733 of the PIK3AP1 protein (p.Arg733Gln).

Breakthrough Genomics
Classification: Uncertain significance. Review status: criteria provided, single submitter. Criteria: ACMG Guidelines, 2015. Collection method: not provided. Allele origin: germline. Inheritance: Unknown mechanism. Affected: yes.